The following is an entry in ClinVar:

ClinVar aggregate classification (germline): Uncertain significance (1 of 4 stars; one submission).

Submission:

Labcorp Genetics (formerly Invitae), Labcorp
Classification: Uncertain significance. Last evaluated: 2025-02-25. Review status: criteria provided, single submitter. Criteria: Invitae Variant Classification Sherloc (09022015). Collection method: clinical testing. Allele origin: germline.
Comment: This sequence change replaces glutamine, which is neutral and polar, with arginine, which is basic and polar, at codon 1120 of the POLE protein (p.Gln1120Arg). This variant is not present in population databases (gnomAD no frequency). This variant has not been reported in the literature in individuals affected with POLE-related conditions. Invitae Evidence Modeling of protein sequence and biophysical properties (such as structural, functional, and spatial information, amino acid conservation, physicochemical variation, residue mobility, and thermodynamic stability) indicates that this missense variant is not expected to disrupt POLE protein function with a negative predictive value of 80%. In summary, the available evidence is currently insufficient to determine the role of this variant in disease. Therefore, it has been classified as a Variant of Uncertain Significance.

NM_006231.4(POLE):c.3359A>G (p.Gln1120Arg)

Gene: POLE (DNA polymerase epsilon, catalytic subunit; minus strand). Cytogenetic location: 12q24.33.
Variant type: single nucleotide variant.
Coding change: c.3359A>G on transcript NM_006231.4 (MANE Select); coding-DNA position 3359, A replaced by G.
Protein change: p.Gln1120Arg; replaces glutamine 1120 with arginine.
Molecular consequence: missense variant.
Genome position (GRCh38, 1-based): chr12:132,657,887, T>C on the plus strand (A>G on the coding strand, the complement: POLE is on the minus strand). VCF-style: chr12-132657887-T-C. GRCh37 (hg19) VCF-style: chr12-133234473-T-C.
Other names: short protein forms Q1120R.
Identifiers: ClinVar variation 4742061 (VCV004742061.1).